The following is an entry in ClinVar:

NM_003238.6(TGFB2):c.818A>G (p.Lys273Arg)

Gene: TGFB2 (transforming growth factor beta 2; plus strand). Cytogenetic location: 1q41.
Variant type: single nucleotide variant.
Coding change: c.818A>G on transcript NM_003238.6 (MANE Select); coding-DNA position 818, A replaced by G.
Protein change: p.Lys273Arg; replaces lysine 273 with arginine.
Molecular consequence: missense variant.
Genome position (GRCh38, 1-based): chr1:218,436,033, A>G. VCF-style: chr1-218436033-A-G. GRCh37 (hg19) VCF-style: chr1-218609375-A-G.
Other names: c.902A>G, p.Lys301Arg (NM_001135599.4); short protein forms K301R, K273R.
Identifiers: ClinVar variation 2452019 (VCV002452019.3), dbSNP rs747979194, ClinGen allele CA1398615.

ClinVar aggregate classification (germline): Uncertain significance. Review status: criteria provided, multiple submitters, no conflicts (2 of 4 stars). 2 submissions from 2 submitters: Uncertain significance (2). Last evaluated 2023-07-07.

Conditions:
Familial thoracic aortic aneurysm and aortic dissection (TAAD). Also called: Thoracic aortic aneurysms and dissections. Identifiers: Orphanet 91387, MedGen C4707243, MONDO:0019625.

Allele frequency attached by ClinVar (database versions not stated): ExAC 0.00001; gnomAD exomes 0.00001.
gnomAD v4.1: 11 of 1,614,176 alleles (0.00068%); highest among the groups gnomAD compares: South Asian, 0.012%; no homozygotes.

Submissions (2):

GeneDx
Classification: Uncertain significance. Last evaluated: 2023-07-07. Review status: criteria provided, single submitter. Criteria: GeneDx Variant Classification Process June 2021. Collection method: clinical testing. Allele origin: germline. Affected: yes.
Comment: Not observed at significant frequency in large population cohorts (gnomAD); In silico analysis supports that this missense variant does not alter protein structure/function; Has not been previously published as pathogenic or benign to our knowledge

Ambry Genetics
Classification: Uncertain significance for Familial thoracic aortic aneurysm and aortic dissection. Last evaluated: 2022-12-06. Review status: criteria provided, single submitter. Criteria: Ambry Variant Classification Scheme 2023. Collection method: clinical testing. Allele origin: germline.
Comment: The p.K273R variant (also known as c.818A>G), located in coding exon 5 of the TGFB2 gene, results from an A to G substitution at nucleotide position 818. The lysine at codon 273 is replaced by arginine, an amino acid with highly similar properties. This amino acid position is conserved. In addition, this alteration is predicted to be tolerated by in silico analysis. Since supporting evidence is limited at this time, the clinical significance of this alteration remains unclear.